The following is an entry in ClinVar:

ClinVar aggregate classification (germline): Uncertain significance (1 of 4 stars; one submission).

Allele frequency attached by ClinVar (database versions not stated): gnomAD exomes below 0.00001.
gnomAD v4.1: 5 of 1,614,104 alleles (0.00031%); highest among the groups gnomAD compares: South Asian, 0.0022%; no homozygotes.

Submission:

Ambry Genetics
Classification: Uncertain significance. Last evaluated: 2023-09-29. Review status: criteria provided, single submitter. Criteria: Ambry Variant Classification Scheme 2023. Collection method: clinical testing. Allele origin: germline.
Comment: The p.R798Q variant (also known as c.2393G>A), located in coding exon 15 of the POLQ gene, results from a G to A substitution at nucleotide position 2393. The arginine at codon 798 is replaced by glutamine, an amino acid with highly similar properties. This amino acid position is conserved. In addition, this alteration is predicted to be tolerated by in silico analysis. Since supporting evidence is limited at this time, the clinical significance of this alteration remains unclear.

NM_199420.4(POLQ):c.2393G>A (p.Arg798Gln)

Gene: POLQ (DNA polymerase theta; minus strand). Cytogenetic location: 3q13.33.
Variant type: single nucleotide variant.
Coding change: c.2393G>A on transcript NM_199420.4 (MANE Select); coding-DNA position 2393, G replaced by A.
Protein change: p.Arg798Gln; replaces arginine 798 with glutamine.
Molecular consequence: missense variant.
Genome position (GRCh38, 1-based): chr3:121,493,607, C>T on the plus strand (G>A on the coding strand, the complement: POLQ is on the minus strand). VCF-style: chr3-121493607-C-T. GRCh37 (hg19) VCF-style: chr3-121212454-C-T.
Other names: short protein forms R798Q.
Identifiers: ClinVar variation 1790590 (VCV001790590.2), dbSNP rs1411770314, ClinGen allele CA354107933.